The following is an entry in ClinVar:

NM_001303256.3(MORC2):c.2193G>A (p.Pro731=)

Gene: MORC2 (MORC family CW-type zinc finger 2; minus strand). Cytogenetic location: 22q12.2.
Variant type: single nucleotide variant.
Coding change: c.2193G>A on transcript NM_001303256.3 (MANE Select); coding-DNA position 2193, G replaced by A.
Protein change: p.Pro731=; no amino-acid change (proline 731 retained).
Molecular consequence: synonymous variant.
Genome position (GRCh38, 1-based): chr22:30,934,781, C>T on the plus strand (G>A on the coding strand, the complement: MORC2 is on the minus strand). VCF-style: chr22-30934781-C-T. GRCh37 (hg19) VCF-style: chr22-31330768-C-T.
Other names: c.2193G>A, p.Pro731= (NM_001303257.2); c.2007G>A, p.Pro669= (NM_014941.3).
Identifiers: ClinVar variation 2149740 (VCV002149740.4), dbSNP rs1049816749, ClinGen allele CA323271153.
Genomic context (GRCh38, chr22:30,934,781, plus strand): 5'-CAATTCCATTCCTACACTACTGACACTGGGCTGGGGTATTAAAGAGGACAAGCGTCTCAC[C>T]GGGGAGAGTTTGATGGGTGACTCTGTCTTCTTCACCACTGGAGTCTTGATGACTTTGGGA-3'
Protein context (NP_001290185.1, residues 721-741): KKTESPIKLS[Pro731=]ATPSRKRSVA

ClinVar aggregate classification (germline): Uncertain significance (1 of 4 stars; one submission).

Conditions:
Charcot-Marie-Tooth disease axonal type 2Z. Also called: CHARCOT-MARIE-TOOTH DISEASE, AXONAL, AUTOSOMAL DOMINANT, TYPE 2Z; CHARCOT-MARIE-TOOTH NEUROPATHY, TYPE 2Z. Identifiers: Orphanet 466768, MedGen C5569025, MONDO:0014736, OMIM 616688.

Allele frequency attached by ClinVar (database versions not stated): gnomAD 0.00001; TOPMed 0.00001.
gnomAD v4.1: 7 of 1,613,698 alleles (0.00043%); highest among the groups gnomAD compares: East Asian, 0.0022%; no homozygotes.

Submission:

Labcorp Genetics (formerly Invitae), Labcorp
Classification: Uncertain significance for Charcot-Marie-Tooth disease axonal type 2Z. Last evaluated: 2022-03-17. Review status: criteria provided, single submitter. Criteria: Invitae Variant Classification Sherloc (09022015). Collection method: clinical testing. Allele origin: germline.
Comment: This variant is not present in population databases (gnomAD no frequency). This sequence change affects codon 731 of the MORC2 mRNA. It is a 'silent' change, meaning that it does not change the encoded amino acid sequence of the MORC2 protein. This variant also falls at the last nucleotide of exon 19, which is part of the consensus splice site for this exon. This variant has not been reported in the literature in individuals affected with MORC2-related conditions. Variants that disrupt the consensus splice site are a relatively common cause of aberrant splicing (PMID: 17576681, 9536098). Algorithms developed to predict the effect of sequence changes on RNA splicing suggest that this variant may disrupt the consensus splice site. In summary, the available evidence is currently insufficient to determine the role of this variant in disease. Therefore, it has been classified as a Variant of Uncertain Significance.

Literature cited by the submitters: PubMed 17576681; PubMed 9536098.